The following is an entry in ClinVar:

NM_000384.3(APOB):c.2115T>G (p.Phe705Leu)

Gene: APOB (apolipoprotein B; minus strand). Cytogenetic location: 2p24.1.
Variant type: single nucleotide variant.
Coding change: c.2115T>G on transcript NM_000384.3 (MANE Select); coding-DNA position 2115, T replaced by G.
Protein change: p.Phe705Leu; replaces phenylalanine 705 with leucine.
Molecular consequence: missense variant.
Genome position (GRCh38, 1-based): chr2:21,026,917, A>C on the plus strand (T>G on the coding strand, the complement: APOB is on the minus strand). VCF-style: chr2-21026917-A-C. GRCh37 (hg19) VCF-style: chr2-21249789-A-C.
Other names: short protein forms F705L.
Identifiers: ClinVar variation 923524 (VCV000923524.10), dbSNP rs747520197, ClinGen allele CA055375.

ClinVar aggregate classification (germline): Conflicting classifications of pathogenicity. Review status: criteria provided, conflicting classifications (1 of 4 stars). 3 submissions from 3 submitters: Uncertain significance (2); Likely benign (1). Last evaluated 2025-11-12.

Conditions:
Cardiovascular phenotype. Identifiers: MedGen CN230736.
Familial hypobetalipoproteinemia 1. Also called: Hypobetalipoproteinemia, normotriglyceridemic; Acanthocytosis with hypobetalipoproteinemia; APOB-Related Familial Hypobetalipoproteinemia. Identifiers: MedGen C4551990, MONDO:0014252, OMIM 615558.
Hypercholesterolemia, autosomal dominant, type B (FHCL2). Also called: Familial Hypercholesterolemia Type B; HYPERCHOLESTEROLEMIA, FAMILIAL, DUE TO LIGAND-DEFECTIVE APOLIPOPROTEIN B; Familial hypercholesterolemia 2; APOB-Related Familial Hypercholesterolemia, Autosomal Dominant; APOLIPOPROTEIN B-100, FAMILIAL DEFECTIVE; APOLIPOPROTEIN B-100, FAMILIAL LIGAND-DEFECTIVE. Identifiers: MedGen C1704417, MONDO:0007751, OMIM 144010.

Allele frequency attached by ClinVar (database versions not stated): ExAC 0.00002; gnomAD exomes 0.00002; TOPMed 0.00009.
gnomAD v4.1: 16 of 1,614,078 alleles (0.00099%); highest among the groups gnomAD compares: African/African-American, 0.016%; no homozygotes.

Submissions (3):

Labcorp Genetics (formerly Invitae), Labcorp
Classification: Likely benign for Familial hypobetalipoproteinemia 1; Hypercholesterolemia, autosomal dominant, type B. Last evaluated: 2025-11-12. Review status: criteria provided, single submitter. Criteria: Invitae Variant Classification Sherloc (09022015). Collection method: clinical testing. Allele origin: germline.

Ambry Genetics
Classification: Uncertain significance for Cardiovascular phenotype. Last evaluated: 2023-07-12. Review status: criteria provided, single submitter. Criteria: Ambry Variant Classification Scheme 2023. Collection method: clinical testing. Allele origin: germline.
Comment: The p.F705L variant (also known as c.2115T>G), located in coding exon 15 of the APOB gene, results from a T to G substitution at nucleotide position 2115. The phenylalanine at codon 705 is replaced by leucine, an amino acid with highly similar properties. This amino acid position is highly conserved in available vertebrate species. In addition, the in silico prediction for this alteration is inconclusive. Since supporting evidence is limited at this time, the clinical significance of this alteration remains unclear.

Fulgent Genetics
Classification: Uncertain significance for Hypercholesterolemia, autosomal dominant, type B; Familial hypobetalipoproteinemia 1. Last evaluated: 2021-07-13. Review status: criteria provided, single submitter. Criteria: ACMG Guidelines, 2015. Collection method: clinical testing. Allele origin: unknown.